The following is an entry in ClinVar:

ClinVar aggregate classification (germline): Uncertain significance (1 of 4 stars; one submission).

Conditions:
Duchenne muscular dystrophy (DMD). Also called: MUSCULAR DYSTROPHY, PSEUDOHYPERTROPHIC PROGRESSIVE, DUCHENNE TYPE; Duchenne Muscular Dystrophy (DMD). Identifiers: Orphanet 98896, MedGen C0013264, MONDO:0010679, OMIM 310200.

gnomAD v4.1: 3 of 1,207,236 alleles (0.00025%); highest among the groups gnomAD compares: Middle Eastern, 0.046%; no homozygotes.

Submission:

Labcorp Genetics (formerly Invitae), Labcorp
Classification: Uncertain significance for Duchenne muscular dystrophy. Last evaluated: 2021-08-28. Review status: criteria provided, single submitter. Criteria: Invitae Variant Classification Sherloc (09022015). Collection method: clinical testing. Allele origin: germline.
Comment: This sequence change replaces aspartic acid with valine at codon 311 of the DMD protein (p.Asp311Val). The aspartic acid residue is highly conserved and there is a large physicochemical difference between aspartic acid and valine. This variant is not present in population databases (ExAC no frequency). This variant has not been reported in the literature in individuals affected with DMD-related conditions. Algorithms developed to predict the effect of missense changes on protein structure and function (SIFT, PolyPhen-2, Align-GVGD) all suggest that this variant is likely to be tolerated. In summary, the available evidence is currently insufficient to determine the role of this variant in disease. Therefore, it has been classified as a Variant of Uncertain Significance.

NM_004006.3(DMD):c.932A>T (p.Asp311Val)

Gene: DMD (dystrophin; minus strand). Cytogenetic location: Xp21.1.
Variant type: single nucleotide variant.
Coding change: c.932A>T on transcript NM_004006.3 (MANE Select); coding-DNA position 932, A replaced by T.
Protein change: p.Asp311Val; replaces aspartic acid 311 with valine.
Molecular consequence: missense variant.
Genome position (GRCh38, 1-based): chrX:32,697,898, T>A on the plus strand (A>T on the coding strand, the complement: DMD is on the minus strand). VCF-style: chrX-32697898-T-A. GRCh37 (hg19) VCF-style: chrX-32716015-T-A.
Other names: c.908A>T, p.Asp303Val (NM_000109.4); c.920A>T, p.Asp307Val (NM_004009.3); c.563A>T, p.Asp188Val (NM_004010.3); short protein forms D307V, D303V, D311V, D188V.
Identifiers: ClinVar variation 2151167 (VCV002151167.1), dbSNP rs760932600, ClinGen allele CA412668441.